The following is an entry in ClinVar:

ClinVar aggregate classification (germline): Likely benign (0 of 4 stars; one submission).

Conditions:
LRP8-related disorder. Also called: LRP8-related condition.

Allele frequency attached by ClinVar (database versions not stated): ESP Exome Variant Server 0.00008; ExAC 0.00015; gnomAD 0.00017; gnomAD exomes 0.00017; TOPMed 0.00020; 1000 Genomes Project 0.00060; 1000 Genomes Project 30x 0.00062.
gnomAD v4.1: 294 of 1,613,508 alleles (0.018%); highest among the groups gnomAD compares: Admixed American, 0.03%; no homozygotes.

Submission:

PreventionGenetics, part of Exact Sciences
Classification: Likely benign for LRP8-related condition. Last evaluated: 2019-05-07. Review status: no assertion criteria provided. Collection method: clinical testing. Allele origin: germline.
Comment: This variant is classified as likely benign based on ACMG/AMP sequence variant interpretation guidelines (Richards et al. 2015 PMID: 25741868, with internal and published modifications).

NM_004631.5(LRP8):c.1427+6C>T

Gene: LRP8 (LDL receptor related protein 8; minus strand). Cytogenetic location: 1p32.3.
Variant type: single nucleotide variant.
Coding change: c.1427+6C>T on transcript NM_004631.5 (MANE Select); 6 bases into the intron after coding-DNA position 1427, C replaced by T.
Molecular consequence: intron variant.
Genome position (GRCh38, 1-based): chr1:53,266,467, G>A on the plus strand (C>T on the coding strand, the complement: LRP8 is on the minus strand). VCF-style: chr1-53266467-G-A. GRCh37 (hg19) VCF-style: chr1-53732139-G-A.
Other names: c.917+6C>T (NM_033300.4); c.1040+6C>T (NM_017522.5); c.1427+6C>T (NM_001018054.3).
Identifiers: ClinVar variation 3037331 (VCV003037331.2), dbSNP rs199652254, ClinGen allele CA860215.
Genomic context (GRCh38, chr1:53,266,467, plus strand): 5'-TCCTCACCTGTCACCACCCCTCACCCCCACTCTTCATGCCTTGCTGCAGAGGATATGGCC[G>A]CTCACCTATAGATCTTACGGTAGGAGAGGTCACACCAGTAGATGCGATTGGTGGCAACTT-3'